The following is an entry in ClinVar:

NM_001999.4(FBN2):c.3019T>C (p.Trp1007Arg)

Genes: FBN2 (fibrillin 2; minus strand), LOC126807501 (BRD4-independent group 4 enhancer GRCh37_chr5:127680731-127681930; plus strand). Cytogenetic location: 5q23.3.
Variant type: single nucleotide variant.
Coding change: c.3019T>C on transcript NM_001999.4 (MANE Select); coding-DNA position 3019, T replaced by C.
Protein change: p.Trp1007Arg; replaces tryptophan 1007 with arginine.
Molecular consequence: missense variant.
Genome position (GRCh38, 1-based): chr5:128,345,555, A>G on the plus strand (T>C on the coding strand, the complement: FBN2 is on the minus strand). VCF-style: chr5-128345555-A-G. GRCh37 (hg19) VCF-style: chr5-127681247-A-G.
Other names: short protein forms W1007R.
Identifiers: ClinVar variation 2716065 (VCV002716065.3), dbSNP rs2479291298, ClinGen allele CA360764284.
Genomic context (GRCh38, chr5:128,345,555, plus strand): 5'-AGCAGCAGGCATCCATGCGGAACTTTCCAGGAACGGGGTGGATGCATTCATCTTCATCCC[A>G]CTTCAAGTAACACTGCTCCATGCGAATATCTACACCGAGAACGAAATCACAGGGTGAGAA-3'
Protein context (NP_001990.2, residues 997-1017): DIRMEQCYLK[Trp1007Arg]DEDECIHPVP

ClinVar aggregate classification (germline): Uncertain significance (1 of 4 stars; one submission).

Conditions:
Congenital contractural arachnodactyly (CCA). Also called: BEALS SYNDROME; Arthrogryposis, distal, type 9; Beals-Hecht syndrome. Identifiers: Orphanet 115, MedGen C0220668, MONDO:0007363, OMIM 121050.

Submission:

Labcorp Genetics (formerly Invitae), Labcorp
Classification: Uncertain significance for Congenital contractural arachnodactyly. Last evaluated: 2023-06-19. Review status: criteria provided, single submitter. Criteria: Invitae Variant Classification Sherloc (09022015). Collection method: clinical testing. Allele origin: germline.
Comment: Advanced modeling of protein sequence and biophysical properties (such as structural, functional, and spatial information, amino acid conservation, physicochemical variation, residue mobility, and thermodynamic stability) performed at Invitae indicates that this missense variant is not expected to disrupt FBN2 protein function. In summary, the available evidence is currently insufficient to determine the role of this variant in disease. Therefore, it has been classified as a Variant of Uncertain Significance. This variant is not present in population databases (gnomAD no frequency). This sequence change replaces tryptophan, which is neutral and slightly polar, with arginine, which is basic and polar, at codon 1007 of the FBN2 protein (p.Trp1007Arg). This variant has not been reported in the literature in individuals affected with FBN2-related conditions.